The following is an entry in ClinVar:

ClinVar aggregate classification (germline): Pathogenic (1 of 4 stars; one submission).

Conditions:
Arrhythmogenic right ventricular dysplasia 10. Also called: Arrhythmogenic Right Ventricular Dysplasia/Cardiomyopathy10; ARRHYTHMOGENIC RIGHT VENTRICULAR DYSPLASIA, FAMILIAL, 10; Arrhythmogenic right ventricular dysplasia/cardiomyopathy, type 10. Identifiers: MedGen C1857777, MONDO:0012434, OMIM 610193.

Submission:

Labcorp Genetics (formerly Invitae), Labcorp
Classification: Pathogenic for Arrhythmogenic right ventricular dysplasia 10. Last evaluated: 2020-11-11. Review status: criteria provided, single submitter. Criteria: Invitae Variant Classification Sherloc (09022015). Collection method: clinical testing. Allele origin: germline.
Comment: For these reasons, this variant has been classified as Pathogenic. This variant has not been reported in the literature in individuals with DSG2-related conditions. This variant is a gross deletion of the genomic region encompassing exon(s) 10-12 of the DSG2 gene. This deletion is out-of-frame, and is expected to create a premature translational stop signal and result in an absent or disrupted protein product. Loss-of-function variants in DSG2 are known to be pathogenic (PMID: 23381804, 23911551).

Literature cited by the submitters: PubMed 23381804; PubMed 23911551.

NC_000018.9:g.(?_29115223)_(29118951_?)del

Gene: DSG2 (desmoglein 2; plus strand). Cytogenetic location: 18q12.1.
Variant type: Deletion.
Identifiers: ClinVar variation 1459763 (VCV001459763.6).